The following is an entry in ClinVar:

ClinVar aggregate classification (germline): Uncertain significance (1 of 4 stars; one submission).

Submission:

Labcorp Genetics (formerly Invitae), Labcorp
Classification: Uncertain significance. Last evaluated: 2024-10-03. Review status: criteria provided, single submitter. Criteria: Invitae Variant Classification Sherloc (09022015). Collection method: clinical testing. Allele origin: germline.
Comment: This sequence change replaces proline, which is neutral and non-polar, with serine, which is neutral and polar, at codon 107 of the PCGF2 protein (p.Pro107Ser). This variant is not present in population databases (gnomAD no frequency). This variant has not been reported in the literature in individuals affected with PCGF2-related conditions. An algorithm developed to predict the effect of missense changes on protein structure and function (PolyPhen-2) suggests that this variant is likely to be tolerated. In summary, the available evidence is currently insufficient to determine the role of this variant in disease. Therefore, it has been classified as a Variant of Uncertain Significance.

NM_007144.3(PCGF2):c.319C>T (p.Pro107Ser)

Gene: PCGF2 (polycomb group ring finger 2; minus strand). Cytogenetic location: 17q12.
Variant type: single nucleotide variant.
Coding change: c.319C>T on transcript NM_007144.3 (MANE Select); coding-DNA position 319, C replaced by T.
Protein change: p.Pro107Ser; replaces proline 107 with serine.
Molecular consequence: missense variant.
Genome position (GRCh38, 1-based): chr17:38,738,859, G>A on the plus strand (C>T on the coding strand, the complement: PCGF2 is on the minus strand). VCF-style: chr17-38738859-G-A. GRCh37 (hg19) VCF-style: chr17-36895112-G-A.
Other names: c.319C>T, p.Pro107Ser (NM_001369614.1, NM_001369615.1); short protein forms P107S.
Identifiers: ClinVar variation 3698472 (VCV003698472.2).